The following is an entry in ClinVar:

ClinVar aggregate classification (germline): Uncertain significance (1 of 4 stars; one submission).

Submission:

Labcorp Genetics (formerly Invitae), Labcorp
Classification: Uncertain significance. Last evaluated: 2022-08-10. Review status: criteria provided, single submitter. Criteria: Invitae Variant Classification Sherloc (09022015). Collection method: clinical testing. Allele origin: germline.
Comment: This variant has not been reported in the literature in individuals affected with CERKL-related conditions. This variant is not present in population databases (gnomAD no frequency). This sequence change replaces arginine, which is basic and polar, with serine, which is neutral and polar, at codon 343 of the CERKL protein (p.Arg343Ser). Algorithms developed to predict the effect of missense changes on protein structure and function are either unavailable or do not agree on the potential impact of this missense change (SIFT: "Deleterious"; PolyPhen-2: "Possibly Damaging"; Align-GVGD: "Class C0"). In summary, the available evidence is currently insufficient to determine the role of this variant in disease. Therefore, it has been classified as a Variant of Uncertain Significance.

NM_201548.5(CERKL):c.949C>A (p.Arg317Ser)

Gene: CERKL (CERK like autophagy regulator; minus strand). Cytogenetic location: 2q31.3.
Variant type: single nucleotide variant.
Coding change: c.949C>A on transcript NM_201548.5 (MANE Select); coding-DNA position 949, C replaced by A.
Protein change: p.Arg317Ser; replaces arginine 317 with serine.
Molecular consequence: missense variant. On other transcripts: non-coding transcript variant (2).
Genome position (GRCh38, 1-based): chr2:181,548,804, G>T on the plus strand (C>A on the coding strand, the complement: CERKL is on the minus strand). VCF-style: chr2-181548804-G-T. GRCh37 (hg19) VCF-style: chr2-182413531-G-T.
Other names: c.1027C>A, p.Arg343Ser (NM_001030311.3); c.610C>A, p.Arg204Ser (NM_001030312.3); c.742C>A, p.Arg248Ser (NM_001030313.3); c.*231C>A (NM_001030314.1, NM_001030315.1); c.895C>A, p.Arg299Ser (NM_001160277.2); short protein forms R248S, R343S, R204S, R299S, R317S.
Identifiers: ClinVar variation 2038205 (VCV002038205.4), dbSNP rs142530341, ClinGen allele CA349737278.